The following is an entry in ClinVar:

ClinVar aggregate classification (germline): Uncertain significance (1 of 4 stars; one submission).

Allele frequency attached by ClinVar (database versions not stated): gnomAD exomes below 0.00001; TOPMed below 0.00001; gnomAD 0.00001.
gnomAD v4.1: 2 of 1,611,238 alleles (0.00012%); highest among the groups gnomAD compares: Non-Finnish European, 0.00017%; no homozygotes.

Submission:

Labcorp Genetics (formerly Invitae), Labcorp
Classification: Uncertain significance. Last evaluated: 2023-10-09. Review status: criteria provided, single submitter. Criteria: Invitae Variant Classification Sherloc (09022015). Collection method: clinical testing. Allele origin: germline.
Comment: This sequence change replaces glycine, which is neutral and non-polar, with glutamic acid, which is acidic and polar, at codon 515 of the ERBIN protein (p.Gly515Glu). This variant is not present in population databases (gnomAD no frequency). This variant has not been reported in the literature in individuals affected with ERBIN-related conditions. An algorithm developed to predict the effect of missense changes on protein structure and function (PolyPhen-2) suggests that this variant is likely to be tolerated. In summary, the available evidence is currently insufficient to determine the role of this variant in disease. Therefore, it has been classified as a Variant of Uncertain Significance.

NM_001253697.2(ERBIN):c.1544G>A (p.Gly515Glu)

Gene: ERBIN (erbb2 interacting protein; plus strand). Cytogenetic location: 5q12.3.
Variant type: single nucleotide variant.
Coding change: c.1544G>A on transcript NM_001253697.2 (MANE Select); coding-DNA position 1544, G replaced by A.
Protein change: p.Gly515Glu; replaces glycine 515 with glutamic acid.
Molecular consequence: missense variant.
Genome position (GRCh38, 1-based): chr5:66,044,252, G>A. VCF-style: chr5-66044252-G-A. GRCh37 (hg19) VCF-style: chr5-65340080-G-A.
Other names: c.1544G>A, p.Gly515Glu (NM_001006600.3, NM_001253698.2, NM_001253699.2 and 2 more transcripts); short protein forms G515E.
Identifiers: ClinVar variation 3023877 (VCV003023877.3), dbSNP rs1317005298, ClinGen allele CA359861335.
Genomic context (GRCh38, chr5:66,044,252, plus strand): 5'-TCAAAACTGTTCAAACCATTGTACATAGATTAAAAGATGAAGAGACCAATGAAGACTCAG[G>A]AAGAGATTTGAAACCACATGAAGATCAACAAGATATAAATAAAGATGTGGGTGTGAAGGT-3'
Protein context (NP_001240626.1, residues 505-525): LKDEETNEDS[Gly515Glu]RDLKPHEDQQ